The following is an entry in ClinVar:

NM_001127222.2(CACNA1A):c.2669A>G (p.Glu890Gly)

Gene: CACNA1A (calcium voltage-gated channel subunit alpha1 A; minus strand). Cytogenetic location: 19p13.13.
Variant type: single nucleotide variant.
Coding change: c.2669A>G on transcript NM_001127222.2 (MANE Select); coding-DNA position 2669, A replaced by G.
Protein change: p.Glu890Gly; replaces glutamic acid 890 with glycine.
Molecular consequence: missense variant.
Genome position (GRCh38, 1-based): chr19:13,298,964, T>C on the plus strand (A>G on the coding strand, the complement: CACNA1A is on the minus strand). VCF-style: chr19-13298964-T-C. GRCh37 (hg19) VCF-style: chr19-13409778-T-C.
Other names: c.2681A>G, p.Glu894Gly (NM_000068.4, NM_023035.3); c.2672A>G, p.Glu891Gly (NM_001127221.2, NM_001174080.2); c.2672A>G (NM_001127221.1); short protein forms E894G, E890G, E891G.
Identifiers: ClinVar variation 1037090 (VCV001037090.10), dbSNP rs2057731758, ClinGen allele CA404342958.

ClinVar aggregate classification (germline): Uncertain significance. Review status: criteria provided, multiple submitters, no conflicts (2 of 4 stars). 2 submissions from 2 submitters: Uncertain significance (2). Last evaluated 2024-08-20.

Conditions:
Developmental and epileptic encephalopathy, 42 (DEE42A). Also called: DEVELOPMENTAL AND EPILEPTIC ENCEPHALOPATHY 42A; EPILEPTIC ENCEPHALOPATHY, EARLY INFANTILE, 42A; Epileptic encephalopathy, early infantile, 42. Identifiers: MedGen C4310716, MONDO:0014917, OMIM 617106.
Episodic ataxia type 2 (EA2). Also called: CEREBELLAR ATAXIA, PAROXYSMAL, ACETAZOLAMIDE-RESPONSIVE; CEREBELLOPATHY, HEREDITARY PAROXYSMAL; EPISODIC ATAXIA, NYSTAGMUS-ASSOCIATED; ACETAZOLAMIDE-RESPONSIVE HEREDITARY PAROXYSMAL CEREBELLAR ATAXIA; ATAXIA, EPISODIC, WITH NYSTAGMUS; ATAXIA, FAMILIAL PAROXYSMAL. Identifiers: Orphanet 97, MedGen C1720416, MONDO:0007163, OMIM 108500.
Inborn genetic diseases. Identifiers: MedGen C0950123, MeSH D030342.

Allele frequency attached by ClinVar (database versions not stated): gnomAD 0.00001; gnomAD exomes 0.00001; TOPMed below 0.00001.
gnomAD v4.1: 11 of 1,586,668 alleles (0.00069%); highest among the groups gnomAD compares: Non-Finnish European, 0.00094%; no homozygotes.

Submissions (2):

Ambry Genetics
Classification: Uncertain significance for Inborn genetic diseases. Last evaluated: 2024-08-20. Review status: criteria provided, single submitter. Criteria: Ambry Variant Classification Scheme 2023. Collection method: clinical testing. Allele origin: germline.

Labcorp Genetics (formerly Invitae), Labcorp
Classification: Uncertain significance for Developmental and epileptic encephalopathy, 42; Episodic ataxia type 2. Last evaluated: 2022-10-17. Review status: criteria provided, single submitter. Criteria: Invitae Variant Classification Sherloc (09022015). Collection method: clinical testing. Allele origin: germline.
Comment: This sequence change replaces glutamic acid, which is acidic and polar, with glycine, which is neutral and non-polar, at codon 891 of the CACNA1A protein (p.Glu891Gly). This variant is not present in population databases (gnomAD no frequency). This variant has not been reported in the literature in individuals affected with CACNA1A-related conditions. ClinVar contains an entry for this variant (Variation ID: 1037090). Advanced modeling of protein sequence and biophysical properties (such as structural, functional, and spatial information, amino acid conservation, physicochemical variation, residue mobility, and thermodynamic stability) performed at Invitae indicates that this missense variant is not expected to disrupt CACNA1A protein function. In summary, the available evidence is currently insufficient to determine the role of this variant in disease. Therefore, it has been classified as a Variant of Uncertain Significance.